The following is an entry in ClinVar:

ClinVar aggregate classification (germline): Pathogenic (1 of 4 stars; one submission).

Conditions:
Sulfite oxidase deficiency. Also called: Isolated sulfite oxidase deficiency. Identifiers: Orphanet 833, Orphanet 99731, MedGen C0268624, MONDO:0010089, OMIM 272300, HP:0003643.

Submission:

Labcorp Genetics (formerly Invitae), Labcorp
Classification: Pathogenic for Sulfite oxidase deficiency. Last evaluated: 2023-03-21. Review status: criteria provided, single submitter. Criteria: Invitae Variant Classification Sherloc (09022015). Collection method: clinical testing. Allele origin: germline.
Comment: This sequence change creates a premature translational stop signal (p.Gln471Argfs*23) in the SUOX gene. While this is not anticipated to result in nonsense mediated decay, it is expected to disrupt the last 75 amino acid(s) of the SUOX protein. This variant is not present in population databases (gnomAD no frequency). For these reasons, this variant has been classified as Pathogenic. This variant disrupts a region of the SUOX protein in which other variant(s) (p.Arg529*) have been determined to be pathogenic (PMID: 17940249, 28980090). This suggests that this is a clinically significant region of the protein, and that variants that disrupt it are likely to be disease-causing. This variant has not been reported in the literature in individuals affected with SUOX-related conditions.

Literature cited by the submitters: PubMed 17940249; PubMed 28980090.

NM_001032386.2(SUOX):c.1411del (p.Gln471fs)

Gene: SUOX (sulfite oxidase; plus strand). Cytogenetic location: 12q13.2.
Variant type: Deletion.
Coding change: c.1411del on transcript NM_001032386.2 (MANE Select); coding-DNA position 1411, one base deleted (C; older notation c.1411delC).
Protein change: p.Gln471fs; shifts the reading frame from glutamine 471.
Molecular consequence: frameshift variant.
Genome position (GRCh38, 1-based): chr12:56,004,800, C deleted. VCF-style (leftmost placement, unchanged base first): chr12-56004799-GC-G. GRCh37 (hg19) VCF-style: chr12-56398583-GC-G.
Other names: c.1411del, p.Gln471fs (NM_000456.3, NM_001032387.2); short protein forms Q471fs.
Identifiers: ClinVar variation 2848218 (VCV002848218.3), dbSNP rs2540577829, ClinGen allele CA2739272084.